The following is an entry in ClinVar:

ClinVar aggregate classification (germline): Uncertain significance (1 of 4 stars; one submission).

Conditions:
Generalized epilepsy with febrile seizures plus, type 9 (GEFSP9). Also called: GEFS+, TYPE 9. Identifiers: Orphanet 36387, MedGen C4015395, MONDO:0014517, OMIM 616172.

Allele frequency attached by ClinVar (database versions not stated): TOPMed 0.00001; gnomAD exomes below 0.00001; ExAC 0.00001; gnomAD 0.00001.

Submission:

Labcorp Genetics (formerly Invitae), Labcorp
Classification: Uncertain significance for Generalized epilepsy with febrile seizures plus, type 9. Last evaluated: 2026-02-02. Review status: criteria provided, single submitter. Criteria: Invitae Variant Classification Sherloc (09022015). Collection method: clinical testing. Allele origin: germline.
Comment: This sequence change replaces arginine, which is basic and polar, with glutamine, which is neutral and polar, at codon 25 of the STX1B protein (p.Arg25Gln). This variant is present in population databases (rs768866902, gnomAD 0.003%). This variant has not been reported in the literature in individuals affected with STX1B-related conditions. ClinVar contains an entry for this variant (Variation ID: 2905620). Invitae Evidence Modeling of protein sequence and biophysical properties (such as structural, functional, and spatial information, amino acid conservation, physicochemical variation, residue mobility, and thermodynamic stability) indicates that this missense variant is not expected to disrupt STX1B protein function with a negative predictive value of 80%. In summary, the available evidence is currently insufficient to determine the role of this variant in disease. Therefore, it has been classified as a Variant of Uncertain Significance.

NM_052874.5(STX1B):c.74G>A (p.Arg25Gln)

Gene: STX1B (syntaxin 1B; minus strand). Cytogenetic location: 16p11.2.
Variant type: single nucleotide variant.
Coding change: c.74G>A on transcript NM_052874.5 (MANE Select); coding-DNA position 74, G replaced by A.
Protein change: p.Arg25Gln; replaces arginine 25 with glutamine.
Molecular consequence: missense variant.
Genome position (GRCh38, 1-based): chr16:31,001,560, C>T on the plus strand (G>A on the coding strand, the complement: STX1B is on the minus strand). VCF-style: chr16-31001560-C-T. GRCh37 (hg19) VCF-style: chr16-31012881-C-T.
Other names: short protein forms R25Q.
Identifiers: ClinVar variation 2905620 (VCV002905620.3), dbSNP rs768866902, ClinGen allele CA8018511.
Genomic context (GRCh38, chr16:31,001,560, plus strand): 5'-TGGGGCTGGGGGCCTTGGAGGCCCATTACCTGTTCAAAGAACTCATCCATGAAGTGGTCC[C>T]GATCCACGTGGACCACCTCCTCTTCATCATCACTGTCTTTCGCCTGGGGACAAGGAAGGC-3'
Protein context (NP_443106.1, residues 15-35): DDEEEVVHVD[Arg25Gln]DHFMDEFFEQ